The following is an entry in ClinVar:

NM_144997.7(FLCN):c.671C>T (p.Thr224Ile)

Gene: FLCN (folliculin; minus strand). Cytogenetic location: 17p11.2.
Variant type: single nucleotide variant.
Coding change: c.671C>T on transcript NM_144997.7 (MANE Select); coding-DNA position 671, C replaced by T.
Protein change: p.Thr224Ile; replaces threonine 224 with isoleucine.
Molecular consequence: missense variant.
Genome position (GRCh38, 1-based): chr17:17,222,609, G>A on the plus strand (C>T on the coding strand, the complement: FLCN is on the minus strand). VCF-style: chr17-17222609-G-A. GRCh37 (hg19) VCF-style: chr17-17125923-G-A.
Other names: c.725C>T, p.Thr242Ile (NM_001353229.2); c.671C>T, p.Thr224Ile (NM_001353230.2, NM_001353231.2, NM_144606.7); short protein forms T224I, T242I.
Identifiers: ClinVar variation 953663 (VCV000953663.7), dbSNP rs2047128653, ClinGen allele CA398534035.

ClinVar aggregate classification (germline): Uncertain significance (1 of 4 stars; one submission).

Conditions:
Birt-Hogg-Dube syndrome. Also called: Birt Hogg Dubé syndrome. Identifiers: Orphanet 122, MedGen C0346010, MONDO:0800444.

Submission:

Labcorp Genetics (formerly Invitae), Labcorp
Classification: Uncertain significance for Birt-Hogg-Dube syndrome. Last evaluated: 2024-03-06. Review status: criteria provided, single submitter. Criteria: Invitae Variant Classification Sherloc (09022015). Collection method: clinical testing. Allele origin: germline.
Comment: This sequence change replaces threonine, which is neutral and polar, with isoleucine, which is neutral and non-polar, at codon 224 of the FLCN protein (p.Thr224Ile). This variant is not present in population databases (gnomAD no frequency). This variant has not been reported in the literature in individuals affected with FLCN-related conditions. ClinVar contains an entry for this variant (Variation ID: 953663). Advanced modeling of protein sequence and biophysical properties (such as structural, functional, and spatial information, amino acid conservation, physicochemical variation, residue mobility, and thermodynamic stability) performed at Invitae indicates that this missense variant is not expected to disrupt FLCN protein function with a negative predictive value of 80%. In summary, the available evidence is currently insufficient to determine the role of this variant in disease. Therefore, it has been classified as a Variant of Uncertain Significance.